The following is an entry in ClinVar:

ClinVar aggregate classification (germline): Uncertain significance (1 of 4 stars; one submission).

Conditions:
Neurodevelopmental disorder with motor and language delay, ocular defects, and brain abnormalities (NEDMLOB). Identifiers: MedGen C5830596, MONDO:0957386, OMIM 620428.

gnomAD v4.1: 1 of 1,589,820 alleles (0.000063%); highest among the groups gnomAD compares: Admixed American, 0.0017%; no homozygotes.

Submissions (2):

Kasturba Medical College, Manipal, Kasturba Medical College, Manipal, Manipal Academy of Higher Education, Manipal, India
Classification: Uncertain significance for Neurodevelopmental disorder with motor and language delay, ocular defects, and brain abnormalities. Last evaluated: 2026-04-13. Review status: criteria provided, single submitter. Criteria: ACMG Guidelines, 2015. Collection method: research. Allele origin: maternal. Inheritance: Autosomal recessive inheritance. Affected: yes. Observed: 1 variant allele, 1 heterozygote.
Comment: This variant is present in one individual in heterozygous state and absent in homozygous state in gnomAD (v4.1.0) population database. The same variant is absent in heterozygous and/or homozygous state in our in-house database of 4194 individuals.

Dr. Peter K. Rogan Lab, Western University
No classification provided (evidence only). Condition: Adrenocortical carcinoma, hereditary. Review status: no classification provided. Collection method: in vitro. Allele origin: not applicable. Functional consequence: cryptic splice site, retained intron. Not counted in ClinVar's aggregate classification.

NM_017871.6(INTS11):c.1363G>A (p.Gly455Ser)

Gene: INTS11 (integrator complex subunit 11; minus strand). Cytogenetic location: 1p36.33.
Variant type: single nucleotide variant.
Coding change: c.1363G>A on transcript NM_017871.6 (MANE Select); coding-DNA position 1363, G replaced by A.
Protein change: p.Gly455Ser; replaces glycine 455 with serine.
Molecular consequence: missense variant.
Genome position (GRCh38, 1-based): chr1:1,312,632, C>T on the plus strand (G>A on the coding strand, the complement: INTS11 is on the minus strand). VCF-style: chr1-1312632-C-T. GRCh37 (hg19) VCF-style: chr1-1248012-C-T.
Other names: NC_000001.10:g.1248012C>T; c.1381G>A, p.Gly461Ser (NM_001256456.2); c.1276G>A, p.Gly426Ser (NM_001256460.2); c.1069G>A, p.Gly357Ser (NM_001256462.2); c.1060G>A, p.Gly354Ser (NM_001256463.2); short protein forms G354S, G426S, G357S, G455S, G461S.
Identifiers: ClinVar variation 4505180 (VCV004505180.2).